The following is an entry in ClinVar:

NM_018979.4(WNK1):c.985C>T (p.Arg329Cys)

Gene: WNK1 (WNK lysine deficient protein kinase 1; plus strand). Cytogenetic location: 12p13.33.
Variant type: single nucleotide variant.
Coding change: c.985C>T on transcript NM_018979.4 (MANE Select); coding-DNA position 985, C replaced by T.
Protein change: p.Arg329Cys; replaces arginine 329 with cysteine.
Molecular consequence: missense variant.
Genome position (GRCh38, 1-based): chr12:827,094, C>T. VCF-style: chr12-827094-C-T. GRCh37 (hg19) VCF-style: chr12-936260-C-T.
Other names: c.985C>T, p.Arg329Cys (NM_001184985.2, NM_014823.3, NM_213655.5); short protein forms R329C.
Identifiers: ClinVar variation 1355222 (VCV001355222.8), dbSNP rs2154025923, ClinGen allele CA383327617.
Genomic context (GRCh38, chr12:827,094, plus strand): 5'-TTTTCTAGGTATCTGAAAAGGTTTAAAGTGATGAAGATCAAAGTTCTAAGAAGCTGGTGC[C>T]GTCAGATCCTTAAAGGTCTTCAGTTTCTTCATACTCGAACTCCACCTATCATTCACCGCG-3'
Protein context (NP_061852.3, residues 319-339): MKIKVLRSWC[Arg329Cys]QILKGLQFLH

ClinVar aggregate classification (germline): Uncertain significance (1 of 4 stars; one submission).

Conditions:
Neuropathy, hereditary sensory and autonomic, type 2A (HSAN2A). Also called: WNK1-Related HSAN2 (HSAN2A); MORVAN DISEASE; NEUROPATHY, CONGENITAL SENSORY; NEUROPATHY, HEREDITARY SENSORY RADICULAR, AUTOSOMAL RECESSIVE; NEUROPATHY, HEREDITARY SENSORY, TYPE IIA; NEUROPATHY, PROGRESSIVE SENSORY, OF CHILDREN. Identifiers: Orphanet 970, MedGen C2752089, MONDO:0024309, OMIM 201300.
Pseudohypoaldosteronism type 2C (PHA2C). Also called: Pseudohypoaldosteronism Type IIC. Identifiers: Orphanet 757, Orphanet 88940, MedGen C1840391, MONDO:0013778, OMIM 614492.

gnomAD v4.1: 1 of 1,614,044 alleles (0.000062%); highest among the groups gnomAD compares: Non-Finnish European, 0.000085%; no homozygotes.

Submission:

Labcorp Genetics (formerly Invitae), Labcorp
Classification: Uncertain significance for Neuropathy, hereditary sensory and autonomic, type 2A; Pseudohypoaldosteronism type 2C. Last evaluated: 2021-03-15. Review status: criteria provided, single submitter. Criteria: Invitae Variant Classification Sherloc (09022015). Collection method: clinical testing. Allele origin: germline.
Comment: In summary, the available evidence is currently insufficient to determine the role of this variant in disease. Therefore, it has been classified as a Variant of Uncertain Significance. Algorithms developed to predict the effect of missense changes on protein structure and function are either unavailable or do not agree on the potential impact of this missense change (SIFT: "Deleterious"; PolyPhen-2: "Not Available"; Align-GVGD: "Class C65"). This variant has not been reported in the literature in individuals with WNK1-related conditions. This variant is not present in population databases (ExAC no frequency). This sequence change replaces arginine with cysteine at codon 329 of the WNK1 protein (p.Arg329Cys). The arginine residue is highly conserved and there is a large physicochemical difference between arginine and cysteine.